The following is an entry in ClinVar:

ClinVar aggregate classification (germline): Uncertain significance (1 of 4 stars; one submission).

Submission:

GeneDx
Classification: Uncertain significance. Last evaluated: 2022-10-06. Review status: criteria provided, single submitter. Criteria: GeneDx Variant Classification Process June 2021. Collection method: clinical testing. Allele origin: germline. Affected: yes.
Comment: Not observed at significant frequency in large population cohorts (gnomAD); In silico analysis supports that this missense variant has a deleterious effect on protein structure/function; Has not been previously published as pathogenic or benign to our knowledge

NM_001458.5(FLNC):c.626G>C (p.Trp209Ser)

Gene: FLNC (filamin C; plus strand). Cytogenetic location: 7q32.1.
Variant type: single nucleotide variant.
Coding change: c.626G>C on transcript NM_001458.5 (MANE Select); coding-DNA position 626, G replaced by C.
Protein change: p.Trp209Ser; replaces tryptophan 209 with serine.
Molecular consequence: missense variant.
Genome position (GRCh38, 1-based): chr7:128,837,184, G>C. VCF-style: chr7-128837184-G-C. GRCh37 (hg19) VCF-style: chr7-128477238-G-C.
Other names: c.626G>C, p.Trp209Ser (NM_001127487.2); short protein forms W209S.
Identifiers: ClinVar variation 2497796 (VCV002497796.1), dbSNP rs2536617522, ClinGen allele CA369221020.
Genomic context (GRCh38, chr7:128,837,184, plus strand): 5'-GCCCCTCACCATCGTCTCCCTCCATCACCTCTCCAGGTCTCTGCCCCGACTGGGAGGCCT[G>C]GGACCCCAACCAGCCCGTGGAGAACGCCCGGGAGGCCATGCAGCAGGCCGACGACTGGCT-3'
Protein context (NP_001449.3, residues 199-219): APGLCPDWEA[Trp209Ser]DPNQPVENAR